The following is an entry in ClinVar:

NC_000016.9:g.(?_89842140)_(89866056_?)del

Gene: FANCA (FA complementation group A; minus strand). Cytogenetic location: 16q24.3.
Variant type: Deletion.
Identifiers: ClinVar variation 1075503 (VCV001075503.4).

ClinVar aggregate classification (germline): Pathogenic (1 of 4 stars; one submission).

Conditions:
Fanconi anemia (FA). Also called: Fanconi's anemia. Identifiers: Orphanet 84, MedGen C0015625, MeSH D005199, MONDO:0019391.

Submission:

Labcorp Genetics (formerly Invitae), Labcorp
Classification: Pathogenic for Fanconi anemia. Last evaluated: 2021-02-21. Review status: criteria provided, single submitter. Criteria: Invitae Variant Classification Sherloc (09022015). Collection method: clinical testing. Allele origin: germline.
Comment: This variant is an out-of-frame deletion of the genomic region encompassing exons 9-21 of the FANCA gene. This is expected to create a premature translational stop signal and result in an absent or disrupted protein product. This variant has not been reported in the literature in individuals with FANCA-related disease. However, smaller gross deletions encompassed within this deleted region have been observed in individuals affected with¬†Fanconi anemia (PMID:¬†16084127,¬†16015582). Loss-of-function variants in FANCA are known to be pathogenic (PMID: 19367192). For these reasons, this variant has been classified as Pathogenic.

Literature cited by the submitters: PubMed 19367192.